The following is an entry in ClinVar:

NM_001378454.1(ALMS1):c.7913C>A (p.Ser2638Tyr)

Gene: ALMS1 (ALMS1 centrosome and basal body associated protein; plus strand). Cytogenetic location: 2p13.1.
Variant type: single nucleotide variant.
Coding change: c.7913C>A on transcript NM_001378454.1 (MANE Select); coding-DNA position 7913, C replaced by A.
Protein change: p.Ser2638Tyr; replaces serine 2638 with tyrosine.
Molecular consequence: missense variant.
Genome position (GRCh38, 1-based): chr2:73,489,872, C>A. VCF-style: chr2-73489872-C-A. GRCh37 (hg19) VCF-style: chr2-73716999-C-A.
Other names: c.7916C>A, p.Ser2639Tyr (NM_015120.4); short protein forms S2638Y, S2639Y.
Identifiers: ClinVar variation 1761199 (VCV001761199.4), dbSNP rs750727922, ClinGen allele CA1714373.

ClinVar aggregate classification (germline): Uncertain significance. Review status: criteria provided, multiple submitters, no conflicts (2 of 4 stars). 2 submissions from 2 submitters: Uncertain significance (2). Last evaluated 2021-12-31.

Conditions:
Alstrom syndrome (ALMS). Identifiers: Orphanet 64, MedGen C0268425, MONDO:0008763, OMIM 203800.
Cardiovascular phenotype. Identifiers: MedGen CN230736.

Allele frequency attached by ClinVar (database versions not stated): ExAC 0.00001; gnomAD 0.00001; gnomAD exomes 0.00001.
gnomAD v4.1: 12 of 1,614,032 alleles (0.00074%); highest among the groups gnomAD compares: Non-Finnish European, 0.001%; no homozygotes.

Submissions (2):

Labcorp Genetics (formerly Invitae), Labcorp
Classification: Uncertain significance for Alstrom syndrome. Last evaluated: 2021-12-31. Review status: criteria provided, single submitter. Criteria: Invitae Variant Classification Sherloc (09022015). Collection method: clinical testing. Allele origin: germline.
Comment: This sequence change replaces serine, which is neutral and polar, with tyrosine, which is neutral and polar, at codon 2639 of the ALMS1 protein (p.Ser2639Tyr). This variant is present in population databases (rs750727922, gnomAD 0.005%). This variant has not been reported in the literature in individuals affected with ALMS1-related conditions. Experimental studies and prediction algorithms are not available or were not evaluated, and the functional significance of this variant is currently unknown. In summary, the available evidence is currently insufficient to determine the role of this variant in disease. Therefore, it has been classified as a Variant of Uncertain Significance.

Ambry Genetics
Classification: Uncertain significance for Cardiovascular phenotype. Last evaluated: 2021-05-04. Review status: criteria provided, single submitter. Criteria: Ambry Variant Classification Scheme 2023. Collection method: clinical testing. Allele origin: germline.
Comment: The p.S2639Y variant (also known as c.7916C>A), located in coding exon 10 of the ALMS1 gene, results from a C to A substitution at nucleotide position 7916. The serine at codon 2639 is replaced by tyrosine, an amino acid with dissimilar properties. This amino acid position is poorly conserved in available vertebrate species. In addition, this alteration is predicted to be tolerated by in silico analysis. Since supporting evidence is limited at this time, the clinical significance of this alteration remains unclear.